The following is an entry in ClinVar:

NM_002900.3(RBP3):c.1084G>T (p.Val362Leu)

Gene: RBP3 (retinol binding protein 3; plus strand). Cytogenetic location: 10q11.22.
Variant type: single nucleotide variant.
Coding change: c.1084G>T on transcript NM_002900.3 (MANE Select); coding-DNA position 1084, G replaced by T.
Protein change: p.Val362Leu; replaces valine 362 with leucine.
Molecular consequence: missense variant.
Genome position (GRCh38, 1-based): chr10:47,349,568, G>T. VCF-style: chr10-47349568-G-T. GRCh37 (hg19) VCF-style: chr10-48389794-C-A.
Other names: short protein forms V362L.
Identifiers: ClinVar variation 961800 (VCV000961800.9), dbSNP rs868977086, ClinGen allele CA376668391.

ClinVar aggregate classification (germline): Uncertain significance (1 of 4 stars; one submission).

Submission:

Labcorp Genetics (formerly Invitae), Labcorp
Classification: Uncertain significance. Last evaluated: 2019-08-21. Review status: criteria provided, single submitter. Criteria: Invitae Variant Classification Sherloc (09022015). Collection method: clinical testing. Allele origin: germline.
Comment: This sequence change replaces valine with leucine at codon 362 of the RBP3 protein (p.Val362Leu). The valine residue is highly conserved and there is a small physicochemical difference between valine and leucine. In summary, the available evidence is currently insufficient to determine the role of this variant in disease. Therefore, it has been classified as a Variant of Uncertain Significance. Algorithms developed to predict the effect of missense changes on protein structure and function are either unavailable or do not agree on the potential impact of this missense change (SIFT: "Deleterious"; PolyPhen-2: "Benign"; Align-GVGD: "Class C0"). This variant has not been reported in the literature in individuals with RBP3-related conditions. This variant is not present in population databases (ExAC no frequency).